The following is an entry in ClinVar:

ClinVar aggregate classification (germline): Likely benign. Review status: criteria provided, multiple submitters, no conflicts (2 of 4 stars). 2 submissions from 2 submitters: Likely benign (2). Last evaluated 2025-02-28.

Conditions:
Pheochromocytoma/paraganglioma syndrome 5. Also called: Paragangliomas 5; SDHA-Related Hereditary Paraganglioma-Pheochromocytoma Syndrome. Identifiers: Orphanet 29072, MedGen C3279992, MONDO:0013602, OMIM 614165.
Mitochondrial complex II deficiency, nuclear type 1. Also called: SUCCINATE CoQ REDUCTASE DEFICIENCY. Identifiers: Orphanet 3208, MedGen C5700310, MONDO:0100294, OMIM 252011.

Allele frequency attached by ClinVar (database versions not stated): gnomAD exomes below 0.00001.
gnomAD v4.1: 1 of 1,611,754 alleles (0.000062%); no homozygotes.

Submissions (2):

Myriad Genetics, Inc.
Classification: Likely benign for Pheochromocytoma/paraganglioma syndrome 5. Last evaluated: 2025-02-28. Review status: criteria provided, single submitter. Criteria: Myriad Autosomal Dominant, Autosomal Recessive and X-Linked Classification Criteria (2023). Collection method: clinical testing. Allele origin: unknown.
Comment: This variant is considered likely benign. This variant is intronic and is not expected to impact mRNA splicing.

Labcorp Genetics (formerly Invitae), Labcorp
Classification: Likely benign for Pheochromocytoma/paraganglioma syndrome 5; Mitochondrial complex II deficiency, nuclear type 1. Last evaluated: 2022-11-17. Review status: criteria provided, single submitter. Criteria: Invitae Variant Classification Sherloc (09022015). Collection method: clinical testing. Allele origin: germline.

NM_004168.4(SDHA):c.151-17G>A

Gene: SDHA (succinate dehydrogenase complex flavoprotein subunit A; plus strand). Cytogenetic location: 5p15.33.
Variant type: single nucleotide variant.
Coding change: c.151-17G>A on transcript NM_004168.4 (MANE Select); 17 bases into the intron before coding-DNA position 151, G replaced by A.
Molecular consequence: intron variant.
Genome position (GRCh38, 1-based): chr5:224,343, G>A. VCF-style: chr5-224343-G-A. GRCh37 (hg19) VCF-style: chr5-224458-G-A.
Other names: c.151-17G>A (NM_001330758.2, NM_001294332.2).
Identifiers: ClinVar variation 1990594 (VCV001990594.5), dbSNP rs1734881608, ClinGen allele CA2580073077.